The following is an entry in ClinVar:

ClinVar aggregate classification (germline): Uncertain significance (1 of 4 stars; one submission).

Conditions:
Cockayne syndrome. Identifiers: Orphanet 191, MedGen C0009207, MONDO:0016006.
Fanconi anemia complementation group Q. Identifiers: Orphanet 84, MedGen C3808988, MONDO:0014108, OMIM 615272.
Xeroderma pigmentosum, group F (XPF). Also called: XERODERMA PIGMENTOSUM VI; XP, GROUP F; XERODERMA PIGMENTOSUM, TYPE F; Xeroderma pigmentosum, type 6; ERCC4-Related Xeroderma Pigmentosum; XERODERMA PIGMENTOSUM, COMPLEMENTATION GROUP F. Identifiers: MedGen C0268140, MONDO:0010215, OMIM 278760.

gnomAD v4.1: 2 of 1,613,576 alleles (0.00012%); highest among the groups gnomAD compares: Non-Finnish European, 0.00017%; no homozygotes.

Submission:

Labcorp Genetics (formerly Invitae), Labcorp
Classification: Uncertain significance for Fanconi anemia complementation group Q; Xeroderma pigmentosum, group F; Cockayne syndrome. Last evaluated: 2025-11-03. Review status: criteria provided, single submitter. Criteria: Invitae Variant Classification Sherloc (09022015). Collection method: clinical testing. Allele origin: germline.
Comment: This sequence change replaces valine, which is neutral and non-polar, with isoleucine, which is neutral and non-polar, at codon 106 of the ERCC4 protein (p.Val106Ile). This variant is not present in population databases (gnomAD no frequency). This variant has not been reported in the literature in individuals affected with ERCC4-related conditions. Invitae Evidence Modeling of protein sequence and biophysical properties (such as structural, functional, and spatial information, amino acid conservation, physicochemical variation, residue mobility, and thermodynamic stability) indicates that this missense variant is not expected to disrupt ERCC4 protein function with a negative predictive value of 80%. In summary, the available evidence is currently insufficient to determine the role of this variant in disease. Therefore, it has been classified as a Variant of Uncertain Significance.

NM_005236.3(ERCC4):c.316G>A (p.Val106Ile)

Gene: ERCC4 (ERCC excision repair 4, endonuclease catalytic subunit; plus strand). Cytogenetic location: 16p13.12.
Variant type: single nucleotide variant.
Coding change: c.316G>A on transcript NM_005236.3 (MANE Select); coding-DNA position 316, G replaced by A.
Protein change: p.Val106Ile; replaces valine 106 with isoleucine.
Molecular consequence: missense variant.
Genome position (GRCh38, 1-based): chr16:13,922,139, G>A. VCF-style: chr16-13922139-G-A. GRCh37 (hg19) VCF-style: chr16-14015996-G-A.
Other names: short protein forms V106I.
Identifiers: ClinVar variation 4795094 (VCV004795094.1).